The following is an entry in ClinVar:

ClinVar aggregate classification (germline): Likely benign. Review status: criteria provided, multiple submitters, no conflicts (2 of 4 stars). 2 submissions from 2 submitters: Likely benign (2). Last evaluated 2024-04-10.

Conditions:
Wilson disease (WND). Also called: Wilson's disease. Identifiers: Orphanet 905, MedGen C0019202, MONDO:0010200, OMIM 277900. Disease mechanism: loss of function.

Allele frequency attached by ClinVar (database versions not stated): gnomAD exomes below 0.00001; TOPMed below 0.00001.

Submissions (2):

All of Us Research Program, National Institutes of Health
Classification: Likely benign for Wilson disease. Last evaluated: 2024-04-10. Review status: criteria provided, single submitter. Criteria: ACMG Guidelines, 2015. Collection method: clinical testing. Allele origin: germline. Inheritance: Autosomal recessive inheritance. Observed: 1 variant allele, 1 heterozygote.
Comment: This study involves interpretation of variants in research participants for the purpose of population health screening. Participant phenotype was not available at the time of variant classification. Additional details can be found in publication PMID: 35346344, PMCID: PMC8962531

Labcorp Genetics (formerly Invitae), Labcorp
Classification: Likely benign for Wilson disease. Last evaluated: 2023-09-21. Review status: criteria provided, single submitter. Criteria: Invitae Variant Classification Sherloc (09022015). Collection method: clinical testing. Allele origin: germline.

NM_000053.4(ATP7B):c.3642G>A (p.Val1214=)

Gene: ATP7B (ATPase copper transporting beta; minus strand). Cytogenetic location: 13q14.3.
Variant type: single nucleotide variant.
Coding change: c.3642G>A on transcript NM_000053.4 (MANE Select); coding-DNA position 3642, G replaced by A.
Protein change: p.Val1214=; no amino-acid change (valine 1214 retained).
Molecular consequence: synonymous variant.
Genome position (GRCh38, 1-based): chr13:51,939,108, C>T on the plus strand (G>A on the coding strand, the complement: ATP7B is on the minus strand). VCF-style: chr13-51939108-C-T. GRCh37 (hg19) VCF-style: chr13-52513244-C-T.
Other names: c.3021G>A, p.Val1007= (NM_001005918.3); c.3309G>A, p.Val1103= (NM_001243182.2); c.3408G>A, p.Val1136= (NM_001330578.2); c.3390G>A, p.Val1130= (NM_001330579.2).
Identifiers: ClinVar variation 1146571 (VCV001146571.10), dbSNP rs1408214363, ClinGen allele CA483893754.